The following is an entry in ClinVar:

NM_001844.5(COL2A1):c.4159C>T (p.Gln1387Ter)

Gene: COL2A1 (collagen type II alpha 1 chain; minus strand). Cytogenetic location: 12q13.11.
Variant type: single nucleotide variant.
Coding change: c.4159C>T on transcript NM_001844.5 (MANE Select); coding-DNA position 4159, C replaced by T.
Protein change: p.Gln1387Ter; replaces glutamine 1387 with a stop codon.
Molecular consequence: nonsense.
Genome position (GRCh38, 1-based): chr12:47,974,247, G>A on the plus strand (C>T on the coding strand, the complement: COL2A1 is on the minus strand). VCF-style: chr12-47974247-G-A. GRCh37 (hg19) VCF-style: chr12-48368030-G-A.
Other names: c.3952C>T, p.Gln1318Ter (NM_033150.3); short protein forms Q1318*, Q1387*.
Identifiers: ClinVar variation 1075160 (VCV001075160.7), dbSNP rs2136505738, ClinGen allele CA384533742.

ClinVar aggregate classification (germline): Pathogenic (1 of 4 stars; one submission).

Submission:

Labcorp Genetics (formerly Invitae), Labcorp
Classification: Pathogenic. Last evaluated: 2024-12-09. Review status: criteria provided, single submitter. Criteria: Invitae Variant Classification Sherloc (09022015). Collection method: clinical testing. Allele origin: germline.
Comment: This sequence change creates a premature translational stop signal (p.Gln1387*) in the COL2A1 gene. It is expected to result in an absent or disrupted protein product. Loss-of-function variants in COL2A1 are known to be pathogenic (PMID: 20179744). This variant is not present in population databases (gnomAD no frequency). This variant has not been reported in the literature in individuals affected with COL2A1-related conditions. ClinVar contains an entry for this variant (Variation ID: 1075160). For these reasons, this variant has been classified as Pathogenic.

Literature cited by the submitters: PubMed 20179744.